The following is an entry in ClinVar:

ClinVar aggregate classification (germline): Conflicting classifications of pathogenicity. Review status: criteria provided, conflicting classifications (1 of 4 stars). 2 submissions from 2 submitters: Uncertain significance (1); Likely benign (1). Last evaluated 2025-04-18.

Conditions:
Cardiovascular phenotype. Identifiers: MedGen CN230736.

Allele frequency attached by ClinVar (database versions not stated): gnomAD exomes below 0.00001; gnomAD 0.00001; TOPMed 0.00001.
gnomAD v4.1: 11 of 1,550,250 alleles (0.00071%); highest among the groups gnomAD compares: East Asian, 0.0049%; no homozygotes.

Submissions (2):

Ambry Genetics
Classification: Likely benign for Cardiovascular phenotype. Last evaluated: 2025-04-18. Review status: criteria provided, single submitter. Criteria: Ambry Variant Classification Scheme 2023. Collection method: clinical testing. Allele origin: germline.

Labcorp Genetics (formerly Invitae), Labcorp
Classification: Uncertain significance. Last evaluated: 2024-11-04. Review status: criteria provided, single submitter. Criteria: Invitae Variant Classification Sherloc (09022015). Collection method: clinical testing. Allele origin: germline.
Comment: This sequence change replaces glycine, which is neutral and non-polar, with arginine, which is basic and polar, at codon 2689 of the ZNF469 protein (p.Gly2689Arg). This variant is present in population databases (no rsID available, gnomAD 0.006%). This variant has not been reported in the literature in individuals affected with ZNF469-related conditions. ClinVar contains an entry for this variant (Variation ID: 2497315). An algorithm developed to predict the effect of missense changes on protein structure and function (PolyPhen-2) suggests that this variant¬†is likely to be tolerated. In summary, the available evidence is currently insufficient to determine the role of this variant in disease. Therefore, it has been classified as a Variant of Uncertain Significance.

NM_001367624.2(ZNF469):c.8149G>C (p.Gly2717Arg)

Gene: ZNF469 (zinc finger protein 469; plus strand). Cytogenetic location: 16q24.2.
Variant type: single nucleotide variant.
Coding change: c.8149G>C on transcript NM_001367624.2 (MANE Select); coding-DNA position 8149, G replaced by C.
Protein change: p.Gly2717Arg; replaces glycine 2717 with arginine.
Molecular consequence: missense variant.
Genome position (GRCh38, 1-based): chr16:88,435,619, G>C. VCF-style: chr16-88435619-G-C. GRCh37 (hg19) VCF-style: chr16-88502027-G-C.
Other names: NM_001127464.1:c.8065G>C; short protein forms G2717R.
Identifiers: ClinVar variation 2497315 (VCV002497315.5), dbSNP rs993420527, ClinGen allele CA286383711.